The following is an entry in ClinVar:

ClinVar aggregate classification (germline): Uncertain significance (1 of 4 stars; one submission).

Submission:

Labcorp Genetics (formerly Invitae), Labcorp
Classification: Uncertain significance. Last evaluated: 2022-08-23. Review status: criteria provided, single submitter. Criteria: Invitae Variant Classification Sherloc (09022015). Collection method: clinical testing. Allele origin: germline.
Comment: This sequence change replaces serine, which is neutral and polar, with tyrosine, which is neutral and polar, at codon 531 of the MAP3K20 protein (p.Ser531Tyr). This variant is present in population databases (rs201232328, gnomAD 0.2%). This variant has not been reported in the literature in individuals affected with MAP3K20-related conditions. Experimental studies and prediction algorithms are not available or were not evaluated, and the functional significance of this variant is currently unknown. Algorithms developed to predict the effect of sequence changes on RNA splicing suggest that this variant may create or strengthen a splice site. In summary, the available evidence is currently insufficient to determine the role of this variant in disease. Therefore, it has been classified as a Variant of Uncertain Significance.

NM_016653.3(MAP3K20):c.1592_1593delinsAT (p.Ser531Tyr)

Genes: MAP3K20 (mitogen-activated protein kinase kinase kinase 20; plus strand), MAP3K20-AS1 (MAP3K20 antisense RNA 1; minus strand). Cytogenetic location: 2q31.1.
Variant type: Indel.
Coding change: c.1592_1593delinsAT on transcript NM_016653.3 (MANE Select); coding-DNA positions 1592 to 1593, CG replaced by AT.
Protein change: p.Ser531Tyr; replaces serine 531 with tyrosine.
Molecular consequence: missense variant.
Genome position (GRCh38, 1-based): chr2:173,263,785-173,263,786, CG replaced by AT. VCF-style: chr2-173263785-CG-AT. GRCh37 (hg19) VCF-style: chr2-174128513-CG-AT.
Other names: short protein forms S531Y.
Identifiers: ClinVar variation 1382979 (VCV001382979.3), dbSNP rs2106358872, ClinGen allele CA2573133726.